The following is an entry in ClinVar:

NM_000321.3(RB1):c.-136C>T

Gene: RB1 (RB transcriptional corepressor 1; plus strand). Cytogenetic location: 13q14.2.
Variant type: single nucleotide variant.
Coding change: c.-136C>T on transcript NM_000321.3 (MANE Select); 136 bases upstream of the start codon, C replaced by T.
Molecular consequence: 5 prime UTR variant.
Genome position (GRCh38, 1-based): chr13:48,303,777, C>T. VCF-style: chr13-48303777-C-T. GRCh37 (hg19) VCF-style: chr13-48877913-C-T.
Other names: c.-136C>T (NM_001407165.1, NM_001407166.1, NM_001407167.1).
Identifiers: ClinVar variation 4808038 (VCV004808038.1).

ClinVar aggregate classification (germline): Uncertain significance (1 of 4 stars; one submission).

Conditions:
Retinoblastoma (RB1). Also called: RETINOBLASTOMA, SOMATIC. Identifiers: Orphanet 790, MedGen C0035335, MeSH D012175, MONDO:0008380, OMIM 180200, HP:0009919. Disease mechanism: loss of function. Inheritance: Both sporadic and heritable forms are tested..

gnomAD v4.1: 7 of 1,339,026 alleles (0.00052%); highest among the groups gnomAD compares: Non-Finnish European, 0.00059%; no homozygotes.

Submission:

Labcorp Genetics (formerly Invitae), Labcorp
Classification: Uncertain significance for Retinoblastoma. Last evaluated: 2025-09-16. Review status: criteria provided, single submitter. Criteria: Invitae Variant Classification Sherloc (09022015). Collection method: clinical testing. Allele origin: germline.
Comment: This variant occurs in a non-coding region of the RB1 gene. It does not change the encoded amino acid sequence of the RB1 protein. This variant is not present in population databases (gnomAD no frequency). This variant has not been reported in the literature in individuals affected with RB1-related conditions. In summary, the available evidence is currently insufficient to determine the role of this variant in disease. Therefore, it has been classified as a Variant of Uncertain Significance.